The following is an entry in ClinVar:

NM_006767.4(LZTR1):c.1941T>C (p.Ile647=)

Gene: LZTR1 (leucine zipper like post translational regulator 1; plus strand). Cytogenetic location: 22q11.21.
Variant type: single nucleotide variant.
Coding change: c.1941T>C on transcript NM_006767.4 (MANE Select); coding-DNA position 1941, T replaced by C.
Protein change: p.Ile647=; no amino-acid change (isoleucine 647 retained).
Molecular consequence: synonymous variant.
Genome position (GRCh38, 1-based): chr22:20,995,025, T>C. VCF-style: chr22-20995025-T-C. GRCh37 (hg19) VCF-style: chr22-21349314-T-C.
Identifiers: ClinVar variation 1783065 (VCV001783065.29), dbSNP rs1167452184, ClinGen allele CA513699554.

ClinVar aggregate classification (germline): Conflicting classifications of pathogenicity. Review status: criteria provided, conflicting classifications (1 of 4 stars). 3 submissions from 3 submitters: Uncertain significance (1); Likely benign (2). Last evaluated 2025-11-17.

Conditions:
Cardiovascular phenotype. Identifiers: MedGen CN230736.
Hereditary cancer-predisposing syndrome. Also called: Hereditary neoplastic syndrome; Neoplastic Syndromes, Hereditary; Tumor predisposition; Hereditary Cancer Syndrome. Identifiers: Orphanet 140162, MedGen C0027672, MeSH D009386, MONDO:0015356.

Allele frequency attached by ClinVar (database versions not stated): gnomAD exomes 0.00001.
gnomAD v4.1: 21 of 1,606,196 alleles (0.0013%); highest among the groups gnomAD compares: Non-Finnish European, 0.0016%; no homozygotes.

Submissions (3):

Labcorp Genetics (formerly Invitae), Labcorp
Classification: Uncertain significance. Last evaluated: 2025-11-17. Review status: criteria provided, single submitter. Criteria: Invitae Variant Classification Sherloc (09022015). Collection method: clinical testing. Allele origin: germline.
Comment: This sequence change affects codon 647 of the LZTR1 mRNA. It is a 'silent' change, meaning that it does not change the encoded amino acid sequence of the LZTR1 protein. It affects a nucleotide within the consensus splice site. This variant is present in population databases (no rsID available, gnomAD 0.0009%). This variant has not been reported in the literature in individuals affected with LZTR1-related conditions. ClinVar contains an entry for this variant (Variation ID: 1783065). Algorithms developed to predict the effect of sequence changes on RNA splicing suggest that this variant is not likely to affect RNA splicing. In summary, the available evidence is currently insufficient to determine the role of this variant in disease. Therefore, it has been classified as a Variant of Uncertain Significance.

CeGaT Center for Human Genetics Tuebingen
Classification: Likely benign. Last evaluated: 2025-06-01. Review status: criteria provided, single submitter. Criteria: CeGaT Center For Human Genetics Tuebingen Variant Classification Criteria Version 2. Collection method: clinical testing. Allele origin: germline. Affected: yes. Observed: 2 variant alleles.
Comment: LZTR1: BP4, BP7

Ambry Genetics
Classification: Likely benign for Cardiovascular phenotype; Hereditary cancer-predisposing syndrome. Last evaluated: 2021-06-21. Review status: criteria provided, single submitter. Criteria: Ambry Variant Classification Scheme 2023. Collection method: clinical testing. Allele origin: germline.